The following is an entry in ClinVar:

ClinVar aggregate classification (germline): Pathogenic (1 of 4 stars; one submission).

Conditions:
Epilepsy, familial focal, with variable foci 1 (FFEVF1). Also called: DEPDC5-Related Epilepsy. Identifiers: MedGen C4551983, MONDO:0024556, OMIM 604364.

Allele frequency attached by ClinVar (database versions not stated): gnomAD exomes below 0.00001.
gnomAD v4.1: 1 of 1,614,108 alleles (0.000062%); highest among the groups gnomAD compares: Non-Finnish European, 0.000085%; no homozygotes.

Submission:

Cytogénomique, Hospices Civils de Lyon
Classification: Pathogenic for Epilepsy, familial focal, with variable foci 1. Last evaluated: 2020-07-24. Review status: criteria provided, single submitter. Criteria: ACMG Guidelines, 2015. Collection method: clinical testing. Allele origin: unknown. Inheritance: Autosomal dominant inheritance. Affected: yes.
Comment: Splicing testing showed aberrant transcripts.

NM_001242896.3(DEPDC5):c.1143+2T>C

Gene: DEPDC5 (DEP domain containing 5, GATOR1 subcomplex subunit; plus strand). Cytogenetic location: 22q12.3.
Variant type: single nucleotide variant.
Coding change: c.1143+2T>C on transcript NM_001242896.3 (MANE Select); the canonical splice donor site of the intron after coding-DNA position 1143, T replaced by C.
Molecular consequence: splice donor variant.
Genome position (GRCh38, 1-based): chr22:31,804,225, T>C. VCF-style: chr22-31804225-T-C. GRCh37 (hg19) VCF-style: chr22-32200211-T-C.
Other names: c.1143+2T>C (NM_001136029.4, NM_014662.6, NM_001363852.2 and 7 more transcripts); c.1059+2T>C (NM_001369902.1, NM_001369901.1).
Identifiers: ClinVar variation 813812 (VCV000813812.3), dbSNP rs1396898151, ClinGen allele CA411293500.